The following is an entry in ClinVar:

ClinVar aggregate classification (germline): Uncertain significance (1 of 4 stars; one submission).

gnomAD v4.1: 1 of 1,518,594 alleles (0.000066%); no homozygotes.

Submission:

GeneDx
Classification: Uncertain significance. Last evaluated: 2025-04-08. Review status: criteria provided, single submitter. Criteria: GeneDx Variant Classification Process June 2021. Collection method: clinical testing. Allele origin: germline. Affected: yes.
Comment: Not observed at significant frequency in large population cohorts (gnomAD); In silico analysis supports that this missense variant has a deleterious effect on protein structure/function; Has not been previously published as pathogenic or benign to our knowledge

NM_001394372.1(BICRA):c.850G>A (p.Gly284Arg)

Gene: BICRA (BRD4 interacting chromatin remodeling complex associated protein; plus strand). Cytogenetic location: 19q13.33.
Variant type: single nucleotide variant.
Coding change: c.850G>A on transcript NM_001394372.1 (MANE Select); coding-DNA position 850, G replaced by A.
Protein change: p.Gly284Arg; replaces glycine 284 with arginine.
Molecular consequence: missense variant.
Genome position (GRCh38, 1-based): chr19:47,680,020, G>A. VCF-style: chr19-47680020-G-A. GRCh37 (hg19) VCF-style: chr19-48183277-G-A.
Other names: c.850G>A, p.Gly284Arg (NM_015711.3); short protein forms G284R.
Identifiers: ClinVar variation 4281926 (VCV004281926.1).